The following is an entry in ClinVar:

ClinVar aggregate classification (germline): Uncertain significance. Review status: criteria provided, multiple submitters, no conflicts (2 of 4 stars). 2 submissions from 2 submitters: Uncertain significance (2). Last evaluated 2024-04-12.

Conditions:
MORM syndrome (MORMS). Identifiers: Orphanet 75858, MedGen C1857802, MONDO:0012423, OMIM 610156.
Joubert syndrome 1 (JBTS1). Also called: Cerebellooculorenal syndrome 1; CEREBELLOPARENCHYMAL DISORDER IV. Identifiers: MedGen C4551568, MONDO:0008944, OMIM 213300.
Joubert syndrome. Also called: Familial aplasia of the vermis; JOUBERT-BOLTSHAUSER SYNDROME. Identifiers: Orphanet 475, MedGen C5979921, MONDO:0018772.

Allele frequency attached by ClinVar (database versions not stated): gnomAD 0.00001; gnomAD exomes 0.00001; TOPMed 0.00001.
gnomAD v4.1: 9 of 1,568,834 alleles (0.00057%); highest among the groups gnomAD compares: Admixed American, 0.0019%; no homozygotes.

Submissions (2):

Fulgent Genetics
Classification: Uncertain significance for Joubert syndrome 1; MORM syndrome. Last evaluated: 2024-04-12. Review status: criteria provided, single submitter. Criteria: ACMG Guidelines, 2015. Collection method: clinical testing. Allele origin: germline.

Labcorp Genetics (formerly Invitae), Labcorp
Classification: Uncertain significance for Joubert syndrome. Last evaluated: 2019-05-21. Review status: criteria provided, single submitter. Criteria: Invitae Variant Classification Sherloc (09022015). Collection method: clinical testing. Allele origin: germline.
Comment: In summary, the available evidence is currently insufficient to determine the role of this variant in disease. Therefore, it has been classified as a Variant of Uncertain Significance. Algorithms developed to predict the effect of missense changes on protein structure and function are either unavailable or do not agree on the potential impact of this missense change (SIFT: "Deleterious"; PolyPhen-2: "Benign"; Align-GVGD: "Class C0"). This variant has not been reported in the literature in individuals with INPP5E-related conditions. The frequency data for this variant in the population databases is considered unreliable, as metrics indicate insufficient coverage at this position in the ExAC database. This sequence change replaces glycine with aspartic acid at codon 158 of the INPP5E protein (p.Gly158Asp). The glycine residue is moderately conserved and there is a moderate physicochemical difference between glycine and aspartic acid.

NM_019892.6(INPP5E):c.473G>A (p.Gly158Asp)

Gene: INPP5E (inositol polyphosphate-5-phosphatase E; minus strand). Cytogenetic location: 9q34.3.
Variant type: single nucleotide variant.
Coding change: c.473G>A on transcript NM_019892.6 (MANE Select); coding-DNA position 473, G replaced by A.
Protein change: p.Gly158Asp; replaces glycine 158 with aspartic acid.
Molecular consequence: missense variant.
Genome position (GRCh38, 1-based): chr9:136,438,947, C>T on the plus strand (G>A on the coding strand, the complement: INPP5E is on the minus strand). VCF-style: chr9-136438947-C-T. GRCh37 (hg19) VCF-style: chr9-139333399-C-T.
Other names: c.473G>A, p.Gly158Asp (NM_001318502.2); short protein forms G158D.
Identifiers: ClinVar variation 952442 (VCV000952442.9), dbSNP rs1455781081, ClinGen allele CA375568732.